The following is an entry in ClinVar:

ClinVar aggregate classification (germline): Uncertain significance (1 of 4 stars; one submission).

Submission:

Ambry Genetics
Classification: Uncertain significance. Last evaluated: 2023-06-30. Review status: criteria provided, single submitter. Criteria: Ambry Variant Classification Scheme 2023. Collection method: clinical testing. Allele origin: germline.
Comment: The p.S76Y variant (also known as c.227C>A), located in coding exon 3 of the RECQL gene, results from a C to A substitution at nucleotide position 227. The serine at codon 76 is replaced by tyrosine, an amino acid with dissimilar properties. This amino acid position is conserved. In addition, this alteration is predicted to be tolerated by in silico analysis. Since supporting evidence is limited at this time, the clinical significance of this alteration remains unclear.

NM_002907.4(RECQL):c.227C>A (p.Ser76Tyr)

Gene: RECQL (RecQ like helicase; minus strand). Cytogenetic location: 12p12.1.
Variant type: single nucleotide variant.
Coding change: c.227C>A on transcript NM_002907.4 (MANE Select); coding-DNA position 227, C replaced by A.
Protein change: p.Ser76Tyr; replaces serine 76 with tyrosine.
Molecular consequence: missense variant.
Genome position (GRCh38, 1-based): chr12:21,490,366, G>T on the plus strand (C>A on the coding strand, the complement: RECQL is on the minus strand). VCF-style: chr12-21490366-G-T. GRCh37 (hg19) VCF-style: chr12-21643300-G-T.
Other names: c.227C>A, p.Ser76Tyr (NM_032941.3); short protein forms S76Y.
Identifiers: ClinVar variation 2585995 (VCV002585995.2), dbSNP rs1273154374, ClinGen allele CA384133607.